The following is an entry in ClinVar:

NM_001042492.3(NF1):c.924dup (p.Gly309fs)

Gene: NF1 (neurofibromin 1; plus strand). Cytogenetic location: 17q11.2.
Variant type: Duplication.
Coding change: c.924dup on transcript NM_001042492.3 (MANE Select); coding-DNA position 924, one base duplicated (T; older notation c.924dupT).
Protein change: p.Gly309fs; shifts the reading frame from glycine 309.
Molecular consequence: frameshift variant.
Genome position (GRCh38, 1-based): chr17:31,200,457, T duplicated. VCF-style (leftmost placement, unchanged base first): chr17-31200456-C-CT. GRCh37 (hg19) VCF-style: chr17-29527474-C-CT.
Other names: c.924dupT (NM_000267.3); c.924dup, p.Gly309Trpfs (NM_000267.4); c.924dup, p.Gly309fs (NM_001128147.3); short protein forms G309fs.
Identifiers: ClinVar variation 3902141 (VCV003902141.2).
Genomic context (GRCh38, chr17:31,200,456, plus strand): 5'-CTTATCGCTATATTTGAATTCTGTAGAAGTTATTTCTGGACAGTCTACGAAAAGCTCTTG[C>CT]TGGCCATGGAGGAAGTAGGCAGCTGACAGAAAGTGCTGCAATTGCCTGTGTCAAACTGTG-3'

ClinVar aggregate classification (germline): Pathogenic. Review status: criteria provided, multiple submitters, no conflicts (2 of 4 stars). 2 submissions from 2 submitters: Pathogenic (2). Last evaluated 2025-10-23.

Conditions:
Neurofibromatosis, type 1 (NF1). Also called: NEUROFIBROMATOSIS, TYPE I, SOMATIC; Peripheral type neurofibromatosis; VON RECKLINGHAUSEN DISEASE; Neurofibromatosis, type I. Identifiers: Orphanet 636, MedGen C0027831, MONDO:0018975, OMIM 162200. Disease mechanism: loss of function.

Submissions (2):

Labcorp Genetics (formerly Invitae), Labcorp
Classification: Pathogenic for Neurofibromatosis, type 1. Last evaluated: 2025-10-23. Review status: criteria provided, single submitter. Criteria: Invitae Variant Classification Sherloc (09022015). Collection method: clinical testing. Allele origin: germline.
Comment: This sequence change creates a premature translational stop signal (p.Gly309Trpfs*6) in the NF1 gene. It is expected to result in an absent or disrupted protein product. Loss-of-function variants in NF1 are known to be pathogenic (PMID: 10712197, 23913538). This variant is not present in population databases (gnomAD no frequency). This variant has not been reported in the literature in individuals affected with NF1-related conditions. ClinVar contains an entry for this variant (Variation ID: 3902141). Algorithms developed to predict the effect of sequence changes on RNA splicing suggest that this variant may disrupt the consensus splice site. For these reasons, this variant has been classified as Pathogenic.

Women's Health and Genetics/Laboratory Corporation of America, LabCorp
Classification: Pathogenic for Neurofibromatosis, type 1. Last evaluated: 2025-05-30. Review status: criteria provided, single submitter. Criteria: LabCorp Variant Classification Summary - May 2015. Collection method: clinical testing. Allele origin: germline.
Comment: Variant summary: NF1 c.924dupT (p.Gly309TrpfsX6) results in a premature termination codon, predicted to cause a truncation of the encoded protein or absence of the protein due to nonsense mediated decay, which are commonly known mechanisms for disease. The variant was absent in 251416 control chromosomes. To our knowledge, no occurrence of c.924dupT in individuals affected with Neurofibromatosis Type 1 and no experimental evidence demonstrating its impact on protein function have been reported. No submitters have cited clinical-significance assessments for this variant to ClinVar. Based on the evidence outlined above, the variant was classified as pathogenic.

Literature cited by the submitters: PubMed 10712197 (cited by Labcorp Genetics (formerly Invitae), Labcorp); PubMed 23913538 (cited by Labcorp Genetics (formerly Invitae), Labcorp).